The following is an entry in ClinVar:

NM_005585.5(SMAD6):c.1175T>C (p.Leu392Pro)

Gene: SMAD6 (SMAD family member 6; plus strand). Cytogenetic location: 15q22.31.
Variant type: single nucleotide variant.
Coding change: c.1175T>C on transcript NM_005585.5 (MANE Select); coding-DNA position 1175, T replaced by C.
Protein change: p.Leu392Pro; replaces leucine 392 with proline.
Molecular consequence: missense variant. On other transcripts: non-coding transcript variant (1).
Genome position (GRCh38, 1-based): chr15:66,781,219, T>C. VCF-style: chr15-66781219-T-C. GRCh37 (hg19) VCF-style: chr15-67073557-T-C.
Other names: c.1175T>C (NM_005585.4); short protein forms L392P.
Identifiers: ClinVar variation 1520007 (VCV001520007.9), dbSNP rs1265396527, ClinGen allele CA393202017.

ClinVar aggregate classification (germline): Uncertain significance. Review status: criteria provided, multiple submitters, no conflicts (2 of 4 stars). 2 submissions from 2 submitters: Uncertain significance (2). Last evaluated 2025-06-23.

Conditions:
Inborn genetic diseases. Identifiers: MedGen C0950123, MeSH D030342.
Aortic valve disease 2 (AOVD2). Identifiers: MedGen C3542024, MONDO:0013902, OMIM 614823.

Allele frequency attached by ClinVar (database versions not stated): gnomAD exomes below 0.00001.
gnomAD v4.1: 4 of 1,608,752 alleles (0.00025%); highest among the groups gnomAD compares: Non-Finnish European, 0.00025%; no homozygotes.

Submissions (2):

Ambry Genetics
Classification: Uncertain significance for Inborn genetic diseases. Last evaluated: 2025-06-23. Review status: criteria provided, single submitter. Criteria: Ambry Variant Classification Scheme 2023. Collection method: clinical testing. Allele origin: germline.
Comment: The p.L392P variant (also known as c.1175T>C), located in coding exon 4 of the SMAD6 gene, results from a T to C substitution at nucleotide position 1175. The leucine at codon 392 is replaced by proline, an amino acid with similar properties. This amino acid position is conserved. In addition, this alteration is predicted to be deleterious by in silico analysis. Based on the available evidence, the clinical significance of this variant remains unclear.

Labcorp Genetics (formerly Invitae), Labcorp
Classification: Uncertain significance for Aortic valve disease 2. Last evaluated: 2023-04-24. Review status: criteria provided, single submitter. Criteria: Invitae Variant Classification Sherloc (09022015). Collection method: clinical testing. Allele origin: germline.
Comment: In summary, the available evidence is currently insufficient to determine the role of this variant in disease. Therefore, it has been classified as a Variant of Uncertain Significance. Advanced modeling of protein sequence and biophysical properties (such as structural, functional, and spatial information, amino acid conservation, physicochemical variation, residue mobility, and thermodynamic stability) performed at Invitae indicates that this missense variant is not expected to disrupt SMAD6 protein function. ClinVar contains an entry for this variant (Variation ID: 1520007). This variant has not been reported in the literature in individuals affected with SMAD6-related conditions. The frequency data for this variant in the population databases is considered unreliable, as metrics indicate poor data quality at this position in the gnomAD database. This sequence change replaces leucine, which is neutral and non-polar, with proline, which is neutral and non-polar, at codon 392 of the SMAD6 protein (p.Leu392Pro).